The following is an entry in ClinVar:

ClinVar aggregate classification (germline): Uncertain significance. Review status: criteria provided, multiple submitters, no conflicts (2 of 4 stars). 4 submissions from 4 submitters: Uncertain significance (4). Last evaluated 2024-08-04.

Conditions:
Inborn genetic diseases. Identifiers: MedGen C0950123, MeSH D030342.
Warburg micro syndrome 2 (WARBM2). Also called: MICRO SYNDROME 2. Identifiers: Orphanet 2510, MedGen C3280214, MONDO:0013641, OMIM 614225.
Martsolf syndrome (MARTS). Also called: Congenital cataract with intellectual disability and hypogonadotropic hypogonadism syndrome. Identifiers: Orphanet 1387, MedGen C0796037, MONDO:0023910.

Allele frequency attached by ClinVar (database versions not stated): gnomAD 0.00001; ExAC 0.00004; gnomAD exomes 0.00004; TOPMed 0.00004.
gnomAD v4.1: 35 of 1,611,988 alleles (0.0022%); highest among the groups gnomAD compares: South Asian, 0.012%; no homozygotes.

Submissions (4):

Ambry Genetics
Classification: Uncertain significance for Inborn genetic diseases. Last evaluated: 2024-08-04. Review status: criteria provided, single submitter. Criteria: Ambry Variant Classification Scheme 2023. Collection method: clinical testing. Allele origin: germline.

Labcorp Genetics (formerly Invitae), Labcorp
Classification: Uncertain significance for Martsolf syndrome; Warburg micro syndrome 2. Last evaluated: 2022-03-18. Review status: criteria provided, single submitter. Criteria: Invitae Variant Classification Sherloc (09022015). Collection method: clinical testing. Allele origin: germline.
Comment: In summary, the available evidence is currently insufficient to determine the role of this variant in disease. Therefore, it has been classified as a Variant of Uncertain Significance. This sequence change replaces glutamic acid, which is acidic and polar, with lysine, which is basic and polar, at codon 127 of the RAB3GAP2 protein (p.Glu127Lys). This variant is present in population databases (rs747224775, gnomAD 0.01%). This variant has not been reported in the literature in individuals affected with RAB3GAP2-related conditions. ClinVar contains an entry for this variant (Variation ID: 426665). Algorithms developed to predict the effect of missense changes on protein structure and function (SIFT, PolyPhen-2, Align-GVGD) all suggest that this variant is likely to be tolerated.

Genetic Services Laboratory, University of Chicago
Classification: Uncertain significance. Last evaluated: 2017-09-28. Review status: criteria provided, single submitter. Criteria: ACMG Guidelines, 2015. Collection method: clinical testing. Allele origin: germline. Affected: no.

GeneDx
Classification: Uncertain significance. Last evaluated: 2017-04-07. Review status: criteria provided, single submitter. Criteria: GeneDx Variant Classification (06012015). Collection method: clinical testing. Allele origin: germline. Affected: yes.
Comment: A variant of uncertain significance has been identified in the RAB3GAP2 gene. The E127K variant has not been published as a pathogenic variant, nor has it been reported as a benign variant to our knowledge. The E127K variant is not observed at a significant frequency in large population cohorts (Lek et al., 2016; 1000 Genomes Consortium et al., 2015; Exome Variant Server). The E127K variant is a non-conservative amino acid substitution, which is likely to impact secondary protein structure as these residues differ in polarity, charge, size and/or other properties. However, this substitution occurs at a position where amino acids with similar properties to Glutamic acid are tolerated across species. In silico analysis is inconsistent in its predictions as to whether or not the variant is damaging to the protein structure/function. Therefore, based on the currently available information, it is unclear whether this variant is a pathogenic variant or a rare benign variant.

NM_012414.4(RAB3GAP2):c.379G>A (p.Glu127Lys)

Gene: RAB3GAP2 (RAB3 GTPase activating non-catalytic protein subunit 2; minus strand). Cytogenetic location: 1q41.
Variant type: single nucleotide variant.
Coding change: c.379G>A on transcript NM_012414.4 (MANE Select); coding-DNA position 379, G replaced by A.
Protein change: p.Glu127Lys; replaces glutamic acid 127 with lysine.
Molecular consequence: missense variant.
Genome position (GRCh38, 1-based): chr1:220,212,894, C>T on the plus strand (G>A on the coding strand, the complement: RAB3GAP2 is on the minus strand). VCF-style: chr1-220212894-C-T. GRCh37 (hg19) VCF-style: chr1-220386236-C-T.
Other names: short protein forms E127K.
Identifiers: ClinVar variation 426665 (VCV000426665.12), dbSNP rs747224775, ClinGen allele CA1403052.
Genomic context (GRCh38, chr1:220,212,894, plus strand): 5'-AATTTCATACATACATGTAACACACAGAGAAACAAAAATTAACTGGCACCTACCCTTCTT[C>T]GACATTTAAGGAACCACTCCAGCCAACAGCAAATTGCATTTCTTCCTTTCCTTTATCACT-3'
Protein context (NP_036546.2, residues 117-137): AVGWSGSLNV[Glu127Lys]EGECVTSALC